The following is an entry in ClinVar:

NM_005228.5(EGFR):c.2701G>A (p.Gly901Arg)

Gene: EGFR (epidermal growth factor receptor; plus strand). Cytogenetic location: 7p11.2.
Variant type: single nucleotide variant.
Coding change: c.2701G>A on transcript NM_005228.5 (MANE Select); coding-DNA position 2701, G replaced by A.
Protein change: p.Gly901Arg; replaces glycine 901 with arginine.
Molecular consequence: missense variant.
Genome position (GRCh38, 1-based): chr7:55,192,841, G>A. VCF-style: chr7-55192841-G-A. GRCh37 (hg19) VCF-style: chr7-55260534-G-A.
Other names: c.2566G>A, p.Gly856Arg (NM_001346897.2, NM_001346899.2); c.2701G>A, p.Gly901Arg (NM_001346898.2); c.2542G>A, p.Gly848Arg (NM_001346900.2); c.1900G>A, p.Gly634Arg (NM_001346941.2); short protein forms G634R, G848R, G856R, G901R.
Identifiers: ClinVar variation 3628319 (VCV003628319.3).

ClinVar aggregate classification (germline): Uncertain significance. Review status: criteria provided, multiple submitters, no conflicts (2 of 4 stars). 2 submissions from 2 submitters: Uncertain significance (2). Last evaluated 2025-04-22.

Conditions:
Hereditary cancer-predisposing syndrome. Also called: Tumor predisposition; Hereditary neoplastic syndrome; Neoplastic Syndromes, Hereditary; Hereditary Cancer Syndrome. Identifiers: Orphanet 140162, MedGen C0027672, MeSH D009386, MONDO:0015356.
EGFR-related lung cancer (EGFR). Identifiers: MedGen CN130014.

gnomAD v4.1: 1 of 1,614,080 alleles (0.000062%); highest among the groups gnomAD compares: Non-Finnish European, 0.000085%; no homozygotes.

Submissions (2):

Labcorp Genetics (formerly Invitae), Labcorp
Classification: Uncertain significance for EGFR-related lung cancer. Last evaluated: 2025-04-22. Review status: criteria provided, single submitter. Criteria: Invitae Variant Classification Sherloc (09022015). Collection method: clinical testing. Allele origin: germline.
Comment: This sequence change replaces glycine, which is neutral and non-polar, with arginine, which is basic and polar, at codon 901 of the EGFR protein (p.Gly901Arg). This variant also falls at the last nucleotide of exon 22, which is part of the consensus splice site for this exon. This variant is not present in population databases (gnomAD no frequency). This variant has not been reported in the literature in individuals affected with EGFR-related conditions. ClinVar contains an entry for this variant (Variation ID: 3628319). An algorithm developed to predict the effect of missense changes on protein structure and function (PolyPhen-2) suggests that this variant is likely to be disruptive. Variants that disrupt the consensus splice site are a relatively common cause of aberrant splicing (PMID: 17576681, 9536098). Algorithms developed to predict the effect of sequence changes on RNA splicing suggest that this variant may disrupt the consensus splice site. In summary, the available evidence is currently insufficient to determine the role of this variant in disease. Therefore, it has been classified as a Variant of Uncertain Significance.

Ambry Genetics
Classification: Uncertain significance for Hereditary cancer-predisposing syndrome. Last evaluated: 2025-03-05. Review status: criteria provided, single submitter. Criteria: Ambry Variant Classification Scheme 2023. Collection method: clinical testing. Allele origin: germline.
Comment: The p.G901R variant (also known as c.2701G>A), located in coding exon 22 of the EGFR gene, results from a G to A substitution at nucleotide position 2701. The glycine at codon 901 is replaced by arginine, an amino acid with dissimilar properties. However, this change occurs in the last base pair of coding exon 22, which makes it likely to have some effect on normal mRNA splicing. This nucleotide position is highly conserved in available vertebrate species. This amino acid position is highly conserved in available vertebrate species. In silico splice site analysis predicts that this alteration will weaken the native splice donor site. In addition, as a missense substitution this is predicted to be deleterious by in silico analysis. Based on the available evidence, the clinical significance of this variant remains unclear.

Literature cited by the submitters: PubMed 17576681 (cited by Labcorp Genetics (formerly Invitae), Labcorp); PubMed 9536098 (cited by Labcorp Genetics (formerly Invitae), Labcorp).